The following is an entry in ClinVar:

NM_001004334.4(GPR179):c.3562G>A (p.Gly1188Arg)

Gene: GPR179 (G protein-coupled receptor 179; minus strand). Cytogenetic location: 17q12.
Variant type: single nucleotide variant.
Coding change: c.3562G>A on transcript NM_001004334.4 (MANE Select); coding-DNA position 3562, G replaced by A.
Protein change: p.Gly1188Arg; replaces glycine 1188 with arginine.
Molecular consequence: missense variant.
Genome position (GRCh38, 1-based): chr17:38,330,007, C>T on the plus strand (G>A on the coding strand, the complement: GPR179 is on the minus strand). VCF-style: chr17-38330007-C-T. GRCh37 (hg19) VCF-style: chr17-36485890-C-T.
Other names: short protein forms G1188R.
Identifiers: ClinVar variation 1473133 (VCV001473133.6), dbSNP rs748066217, ClinGen allele CA398879279.

ClinVar aggregate classification (germline): Uncertain significance (1 of 4 stars; one submission).

gnomAD v4.1: 8 of 1,614,220 alleles (0.0005%); highest among the groups gnomAD compares: African/African-American, 0.0013%; no homozygotes.

Submission:

Labcorp Genetics (formerly Invitae), Labcorp
Classification: Uncertain significance. Last evaluated: 2025-08-21. Review status: criteria provided, single submitter. Criteria: Invitae Variant Classification Sherloc (09022015). Collection method: clinical testing. Allele origin: germline.
Comment: This sequence change replaces glycine, which is neutral and non-polar, with arginine, which is basic and polar, at codon 1188 of the GPR179 protein (p.Gly1188Arg). This variant is not present in population databases (gnomAD no frequency). This variant has not been reported in the literature in individuals affected with GPR179-related conditions. ClinVar contains an entry for this variant (Variation ID: 1473133). An algorithm developed to predict the effect of missense changes on protein structure and function (PolyPhen-2) suggests that this variant is likely to be tolerated. In summary, the available evidence is currently insufficient to determine the role of this variant in disease. Therefore, it has been classified as a Variant of Uncertain Significance.